The following is an entry in ClinVar:

NM_003801.4(GPAA1):c.1616G>A (p.Gly539Glu)

Gene: GPAA1 (glycosylphosphatidylinositol anchor attachment 1; plus strand). Cytogenetic location: 8q24.3.
Variant type: single nucleotide variant.
Coding change: c.1616G>A on transcript NM_003801.4 (MANE Select); coding-DNA position 1616, G replaced by A.
Protein change: p.Gly539Glu; replaces glycine 539 with glutamic acid.
Molecular consequence: missense variant.
Genome position (GRCh38, 1-based): chr8:144,085,737, G>A. VCF-style: chr8-144085737-G-A. GRCh37 (hg19) VCF-style: chr8-145140640-G-A.
Other names: short protein forms G539E.
Identifiers: ClinVar variation 1909311 (VCV001909311.6), dbSNP rs782574810, ClinGen allele CA4933207.

ClinVar aggregate classification (germline): Uncertain significance. Review status: criteria provided, multiple submitters, no conflicts (2 of 4 stars). 2 submissions from 2 submitters: Uncertain significance (2). Last evaluated 2022-07-01.

Conditions:
Inborn genetic diseases. Identifiers: MedGen C0950123, MeSH D030342.

Allele frequency attached by ClinVar (database versions not stated): TOPMed below 0.00001; gnomAD 0.00001; gnomAD exomes 0.00001; ExAC 0.00003.
gnomAD v4.1: 18 of 1,612,296 alleles (0.0011%); highest among the groups gnomAD compares: South Asian, 0.019%; no homozygotes.

Submissions (2):

Labcorp Genetics (formerly Invitae), Labcorp
Classification: Uncertain significance. Last evaluated: 2022-07-01. Review status: criteria provided, single submitter. Criteria: Invitae Variant Classification Sherloc (09022015). Collection method: clinical testing. Allele origin: germline.
Comment: In summary, the available evidence is currently insufficient to determine the role of this variant in disease. Therefore, it has been classified as a Variant of Uncertain Significance. Algorithms developed to predict the effect of missense changes on protein structure and function (SIFT, PolyPhen-2, Align-GVGD) all suggest that this variant is likely to be tolerated. This variant has not been reported in the literature in individuals affected with GPAA1-related conditions. This variant is present in population databases (rs782574810, gnomAD 0.03%). This sequence change replaces glycine, which is neutral and non-polar, with glutamic acid, which is acidic and polar, at codon 539 of the GPAA1 protein (p.Gly539Glu).

Ambry Genetics
Classification: Uncertain significance for Inborn genetic diseases. Last evaluated: 2021-08-12. Review status: criteria provided, single submitter. Criteria: Ambry Variant Classification Scheme 2023. Collection method: clinical testing. Allele origin: germline.